The following is an entry in ClinVar:

NM_001206979.2(NR1H4):c.765T>G (p.Thr255=)

Gene: NR1H4 (nuclear receptor subfamily 1 group H member 4; plus strand). Cytogenetic location: 12q23.1.
Variant type: single nucleotide variant.
Coding change: c.765T>G on transcript NM_001206979.2 (MANE Select); coding-DNA position 765, T replaced by G.
Protein change: p.Thr255=; no amino-acid change (threonine 255 retained).
Molecular consequence: synonymous variant. On other transcripts: non-coding transcript variant (1).
Genome position (GRCh38, 1-based): chr12:100,536,544, T>G. VCF-style: chr12-100536544-T-G. GRCh37 (hg19) VCF-style: chr12-100930322-T-G.
Other names: c.765T>G, p.Thr255= (NM_001206977.2); c.612T>G, p.Thr204= (NM_001206978.2); c.783T>G, p.Thr261= (NM_001206992.2); c.795T>G, p.Thr265= (NM_001206993.2); c.753T>G, p.Thr251= (NM_005123.4).
Identifiers: ClinVar variation 3029679 (VCV003029679.2), dbSNP rs751154221, ClinGen allele CA6739333.
Genomic context (GRCh38, chr12:100,536,544, plus strand): 5'-AACACCTTTTATTTTCTTGCCAGTGTAGGAGAAAACTGAACTCACCCCAGATCAACAGAC[T>G]CTTCTACATTTTATTATGGATTCATATAACAAACAGAGGATGCCTCAGGAAATAACAAAT-3'
Protein context (NP_001193908.1, residues 245-265): EKTELTPDQQ[Thr255=]LLHFIMDSYN

ClinVar aggregate classification (germline): Likely benign (0 of 4 stars; one submission).

Conditions:
NR1H4-related disorder. Also called: NR1H4-related condition.

Allele frequency attached by ClinVar (database versions not stated): gnomAD exomes below 0.00001; ExAC 0.00001.
gnomAD v4.1: 4 of 1,610,376 alleles (0.00025%); highest among the groups gnomAD compares: Middle Eastern, 0.033%; no homozygotes.

Submission:

PreventionGenetics, part of Exact Sciences
Classification: Likely benign for NR1H4-related condition. Last evaluated: 2021-09-14. Review status: no assertion criteria provided. Collection method: clinical testing. Allele origin: germline.
Comment: This variant is classified as likely benign based on ACMG/AMP sequence variant interpretation guidelines (Richards et al. 2015 PMID: 25741868, with internal and published modifications).